The following is an entry in ClinVar:

ClinVar aggregate classification (germline): Uncertain significance (1 of 4 stars; one submission).

Conditions:
Inborn genetic diseases. Identifiers: MedGen C0950123, MeSH D030342.

Allele frequency attached by ClinVar (database versions not stated): gnomAD exomes below 0.00001; gnomAD 0.00001.
gnomAD v4.1: 3 of 1,392,152 alleles (0.00022%); highest among the groups gnomAD compares: Non-Finnish European, 0.00029%; no homozygotes.

Submission:

Ambry Genetics
Classification: Uncertain significance for Inborn genetic diseases. Last evaluated: 2023-06-08. Review status: criteria provided, single submitter. Criteria: Ambry Variant Classification Scheme 2023. Collection method: clinical testing. Allele origin: germline.
Comment: The c.4433C>T (p.P1478L) alteration is located in exon 30 (coding exon 30) of the CHD5 gene. This alteration results from a C to T substitution at nucleotide position 4433, causing the proline (P) at amino acid position 1478 to be replaced by a leucine (L). Based on data from gnomAD, the T allele has an overall frequency of 0.003% (1/31088) total alleles studied. The highest observed frequency was 0.007% (1/15244) of European (non-Finnish) alleles. This amino acid position is highly conserved in available vertebrate species. This missense alteration is located in a region that has a low rate of benign missense variation (Lek, 2016; Firth, 2009). The in silico prediction for this alteration is inconclusive. Based on insufficient or conflicting evidence, the clinical significance of this alteration remains unclear.

NM_015557.3(CHD5):c.4433C>T (p.Pro1478Leu)

Gene: CHD5 (chromodomain helicase DNA binding protein 5; minus strand). Cytogenetic location: 1p36.31.
Variant type: single nucleotide variant.
Coding change: c.4433C>T on transcript NM_015557.3 (MANE Select); coding-DNA position 4433, C replaced by T.
Protein change: p.Pro1478Leu; replaces proline 1478 with leucine.
Molecular consequence: missense variant.
Genome position (GRCh38, 1-based): chr1:6,124,623, G>A on the plus strand (C>T on the coding strand, the complement: CHD5 is on the minus strand). VCF-style: chr1-6124623-G-A. GRCh37 (hg19) VCF-style: chr1-6184683-G-A.
Other names: short protein forms P1478L.
Identifiers: ClinVar variation 2543534 (VCV002543534.2), dbSNP rs1197654187, ClinGen allele CA338071934.